The following is an entry in ClinVar:

NM_001148.6(ANK2):c.4732G>A (p.Val1578Met)

Gene: ANK2 (ankyrin 2; plus strand). Cytogenetic location: 4q26.
Variant type: single nucleotide variant.
Coding change: c.4732G>A on transcript NM_001148.6 (MANE Select); coding-DNA position 4732, G replaced by A.
Protein change: p.Val1578Met; replaces valine 1578 with methionine.
Molecular consequence: missense variant. On other transcripts: intron variant (68).
Genome position (GRCh38, 1-based): chr4:113,353,350, G>A. VCF-style: chr4-113353350-G-A. GRCh37 (hg19) VCF-style: chr4-114274506-G-A.
Other names: c.4498G>A, p.Val1500Met (NM_001386142.1); c.1132G>A, p.Val378Met (NM_001386166.1); c.4873G>A, p.Val1625Met (NM_001386174.1); c.4849G>A, p.Val1617Met (NM_001386175.1); c.4411+3101G>A (NM_001386186.2, NM_001386148.2); c.4213+3101G>A (NM_001354269.3); c.4291+3101G>A (NM_001386187.2); c.4252+3101G>A (NM_001386147.1); and 35 more; short protein forms V1578M, V1500M, V1617M, V1625M, V378M.
Identifiers: ClinVar variation 519236 (VCV000519236.11), dbSNP rs1554550420, ClinGen allele CA357916405.

ClinVar aggregate classification (germline): Uncertain significance. Review status: criteria provided, multiple submitters, no conflicts (2 of 4 stars). 2 submissions from 2 submitters: Uncertain significance (2). Last evaluated 2022-11-27.

Conditions:
Long QT syndrome (LQTS). Identifiers: MedGen C0023976, MeSH D008133, MONDO:0002442. Disease mechanism: loss of function. Inheritance: Various modes of inheritance.
Cardiovascular phenotype. Identifiers: MedGen CN230736.

Allele frequency attached by ClinVar (database versions not stated): gnomAD exomes below 0.00001; TOPMed 0.00001.
gnomAD v4.1: 2 of 1,614,102 alleles (0.00012%); highest among the groups gnomAD compares: African/African-American, 0.0013%; no homozygotes.

Submissions (2):

Ambry Genetics
Classification: Uncertain significance for Cardiovascular phenotype. Last evaluated: 2022-11-27. Review status: criteria provided, single submitter. Criteria: Ambry Variant Classification Scheme 2023. Collection method: clinical testing. Allele origin: germline.
Comment: The p.V1578M variant (also known as c.4732G>A), located in coding exon 38 of the ANK2 gene, results from a G to A substitution at nucleotide position 4732. The valine at codon 1578 is replaced by methionine, an amino acid with highly similar properties. This amino acid position is poorly conserved in available vertebrate species, and methionine is the reference amino acid in other vertebrate species. In addition, this alteration is predicted to be tolerated by in silico analysis. Since supporting evidence is limited at this time, the clinical significance of this alteration remains unclear.

Labcorp Genetics (formerly Invitae), Labcorp
Classification: Uncertain significance for Long QT syndrome. Last evaluated: 2022-07-26. Review status: criteria provided, single submitter. Criteria: Invitae Variant Classification Sherloc (09022015). Collection method: clinical testing. Allele origin: germline.
Comment: This variant has not been reported in the literature in individuals affected with ANK2-related conditions. This variant is not present in population databases (gnomAD no frequency). This sequence change replaces valine, which is neutral and non-polar, with methionine, which is neutral and non-polar, at codon 1578 of the ANK2 protein (p.Val1578Met). ClinVar contains an entry for this variant (Variation ID: 519236). In summary, the available evidence is currently insufficient to determine the role of this variant in disease. Therefore, it has been classified as a Variant of Uncertain Significance. Algorithms developed to predict the effect of missense changes on protein structure and function output the following: SIFT: "Tolerated"; PolyPhen-2: "Benign"; Align-GVGD: "Class C0". The methionine amino acid residue is found in multiple mammalian species, which suggests that this missense change does not adversely affect protein function.